The following is an entry in ClinVar:

ClinVar aggregate classification (germline): Uncertain significance (1 of 4 stars; one submission).

Conditions:
Multiple gastrointestinal atresias. Also called: FAMILIAL INTESTINAL POLYATRESIA SYNDROME; Multiple intestinal atresia. Identifiers: Orphanet 2300, MedGen C0220744, MONDO:0009465.

Allele frequency attached by ClinVar (database versions not stated): gnomAD exomes below 0.00001; ExAC 0.00001.

Submission:

Labcorp Genetics (formerly Invitae), Labcorp
Classification: Uncertain significance for Multiple gastrointestinal atresias. Last evaluated: 2022-01-07. Review status: criteria provided, single submitter. Criteria: Invitae Variant Classification Sherloc (09022015). Collection method: clinical testing. Allele origin: germline.
Comment: In summary, the available evidence is currently insufficient to determine the role of this variant in disease. Therefore, it has been classified as a Variant of Uncertain Significance. Algorithms developed to predict the effect of missense changes on protein structure and function are either unavailable or do not agree on the potential impact of this missense change (SIFT: "Deleterious"; PolyPhen-2: "Probably Damaging"; Align-GVGD: "Class C0"). ClinVar contains an entry for this variant (Variation ID: 946997). This variant has not been reported in the literature in individuals affected with TTC7A-related conditions. This variant is present in population databases (rs779553048, gnomAD 0.0009%). This sequence change replaces alanine, which is neutral and non-polar, with glycine, which is neutral and non-polar, at codon 730 of the TTC7A protein (p.Ala730Gly).

NM_020458.4(TTC7A):c.2189C>G (p.Ala730Gly)

Gene: TTC7A (tetratricopeptide repeat domain 7A; plus strand). Cytogenetic location: 2p21.
Variant type: single nucleotide variant.
Coding change: c.2189C>G on transcript NM_020458.4 (MANE Select); coding-DNA position 2189, C replaced by G.
Protein change: p.Ala730Gly; replaces alanine 730 with glycine.
Molecular consequence: missense variant.
Genome position (GRCh38, 1-based): chr2:47,060,805, C>G. VCF-style: chr2-47060805-C-G. GRCh37 (hg19) VCF-style: chr2-47287944-C-G.
Other names: c.2261C>G, p.Ala754Gly (NM_001288951.2); c.2087C>G, p.Ala696Gly (NM_001288953.2); c.1127C>G, p.Ala376Gly (NM_001288955.2); short protein forms A730G, A376G, A696G, A754G.
Identifiers: ClinVar variation 946997 (VCV000946997.10), dbSNP rs779553048, ClinGen allele CA1648059.